The following is an entry in ClinVar:

ClinVar aggregate classification (germline): Conflicting classifications of pathogenicity. Review status: criteria provided, conflicting classifications (1 of 4 stars). 3 submissions from 3 submitters: Uncertain significance (2); Likely benign (1). Last evaluated 2023-01-25.

Conditions:
Familial hypocalciuric hypercalcemia 1. Also called: Hypercalcemia, familial benign type 1. Identifiers: Orphanet 405, Orphanet 93372, MedGen C0342637, MONDO:0007791, OMIM 145980.
Neonatal severe primary hyperparathyroidism. Identifiers: Orphanet 417, MedGen C1832615, MONDO:0009397, OMIM 239200.
Autosomal dominant hypocalcemia 1 (HYPOC1). Also called: HYPOCALCEMIA, FAMILIAL. Identifiers: MedGen C3715128, MONDO:0011013, OMIM 601198.
Familial hypocalciuric hypercalcemia (FHH). Also called: Familial benign hypercalcemia. Identifiers: Orphanet 405, MedGen C1809471, MONDO:0018458.
Nephrolithiasis/nephrocalcinosis. Identifiers: MedGen CN580796.

Allele frequency attached by ClinVar (database versions not stated): ExAC 0.00003; gnomAD exomes 0.00003.

Submissions (3):

Department of Pathology and Laboratory Medicine, Sinai Health System
Classification: Uncertain significance for Neonatal severe primary hyperparathyroidism; Familial hypocalciuric hypercalcemia 1. Last evaluated: 2023-01-25. Review status: criteria provided, single submitter. Criteria: ACMG Guidelines, 2015. Collection method: research. Allele origin: germline.

Ambry Genetics
Classification: Likely benign for Nephrolithiasis/nephrocalcinosis. Last evaluated: 2022-07-27. Review status: criteria provided, single submitter. Criteria: Ambry Variant Classification Scheme 2023. Collection method: clinical testing. Allele origin: germline.

Labcorp Genetics (formerly Invitae), Labcorp
Classification: Uncertain significance for Familial hypocalciuric hypercalcemia; Autosomal dominant hypocalcemia 1. Last evaluated: 2021-10-27. Review status: criteria provided, single submitter. Criteria: Invitae Variant Classification Sherloc (09022015). Collection method: clinical testing. Allele origin: germline.
Comment: In summary, the available evidence is currently insufficient to determine the role of this variant in disease. Therefore, it has been classified as a Variant of Uncertain Significance. Algorithms developed to predict the effect of missense changes on protein structure and function (SIFT, PolyPhen-2, Align-GVGD) all suggest that this variant is likely to be disruptive. ClinVar contains an entry for this variant (Variation ID: 1064066). This variant has not been reported in the literature in individuals affected with CASR-related conditions. This variant is present in population databases (rs757736220, gnomAD 0.03%). This sequence change replaces arginine, a(n) basic and polar amino acid, with leucine, a(n) neutral and non-polar amino acid, at codon 648 of the CASR protein (p.Arg648Leu).

NM_000388.4(CASR):c.1943G>T (p.Arg648Leu)

Gene: CASR (calcium sensing receptor; plus strand). Cytogenetic location: 3q21.1.
Variant type: single nucleotide variant.
Coding change: c.1943G>T on transcript NM_000388.4 (MANE Select); coding-DNA position 1943, G replaced by T.
Protein change: p.Arg648Leu; replaces arginine 648 with leucine.
Molecular consequence: missense variant.
Genome position (GRCh38, 1-based): chr3:122,283,897, G>T. VCF-style: chr3-122283897-G-T. GRCh37 (hg19) VCF-style: chr3-122002744-G-T.
Other names: c.1973G>T, p.Arg658Leu (NM_001178065.2); short protein forms R648L, R658L.
Identifiers: ClinVar variation 1064066 (VCV001064066.10), dbSNP rs757736220, ClinGen allele CA2569763.